The following is an entry in ClinVar:

NM_001458.5(FLNC):c.5298+6G>A

Gene: FLNC (filamin C; plus strand). Cytogenetic location: 7q32.1.
Variant type: single nucleotide variant.
Coding change: c.5298+6G>A on transcript NM_001458.5 (MANE Select); 6 bases into the intron after coding-DNA position 5298, G replaced by A.
Molecular consequence: intron variant.
Genome position (GRCh38, 1-based): chr7:128,850,080, G>A. VCF-style: chr7-128850080-G-A. GRCh37 (hg19) VCF-style: chr7-128490134-G-A.
Other names: c.5200-304G>A (NM_001127487.2).
Identifiers: ClinVar variation 258146 (VCV000258146.16), dbSNP rs373553314, ClinGen allele CA4475634.

ClinVar aggregate classification (germline): Conflicting classifications of pathogenicity. Review status: criteria provided, conflicting classifications (1 of 4 stars). 5 submissions from 5 submitters: Uncertain significance (1); Benign (1); Likely benign (3). Last evaluated 2026-06-19.

Conditions:
Distal myopathy with posterior leg and anterior hand involvement. Also called: WILLIAMS DISTAL MYOPATHY. Identifiers: Orphanet 63273, MedGen C3279722, MONDO:0013550, OMIM 614065.
Myofibrillar myopathy 5. Also called: Filaminopathy (type); FILAMINOPATHY, AUTOSOMAL DOMINANT. Identifiers: Orphanet 171445, MedGen C1836050, MONDO:0012289, OMIM 609524.
Hypertrophic cardiomyopathy 26. Also called: Cardiomyopathy, familial hypertrophic, 26. Identifiers: Orphanet 75249, MedGen C4310749, MONDO:0014883, OMIM 617047.

Allele frequency attached by ClinVar (database versions not stated): ExAC 0.00006; TOPMed 0.00012; gnomAD 0.00013 and 0.00014; gnomAD exomes 0.00013 and 0.00026; ESP Exome Variant Server 0.00017.
gnomAD v4.1: 379 of 1,531,486 alleles (0.025%); highest among the groups gnomAD compares: Non-Finnish European, 0.032%; no homozygotes.

Submissions (5):

Women's Health and Genetics/Laboratory Corporation of America, LabCorp
Classification: Benign. Last evaluated: 2026-06-19. Review status: criteria provided, single submitter. Criteria: LabCorp Variant Classification Summary - May 2015. Collection method: clinical testing. Allele origin: germline.

Labcorp Genetics (formerly Invitae), Labcorp
Classification: Uncertain significance for Distal myopathy with posterior leg and anterior hand involvement; Myofibrillar myopathy 5; Hypertrophic cardiomyopathy 26. Last evaluated: 2026-01-18. Review status: criteria provided, single submitter. Criteria: Invitae Variant Classification Sherloc (09022015). Collection method: clinical testing. Allele origin: germline.
Comment: This sequence change falls in intron 31 of the FLNC gene. It does not directly change the encoded amino acid sequence of the FLNC protein. It affects a nucleotide within the consensus splice site. This variant is present in population databases (rs373553314, gnomAD 0.03%), and has an allele count higher than expected for a pathogenic variant. This variant has not been reported in the literature in individuals affected with FLNC-related conditions. ClinVar contains an entry for this variant (Variation ID: 258146). Variants that disrupt the consensus splice site are a relatively common cause of aberrant splicing (PMID: 17576681, 9536098). Algorithms developed to predict the effect of sequence changes on RNA splicing suggest that this variant is not likely to affect RNA splicing. In summary, the available evidence is currently insufficient to determine the role of this variant in disease. Therefore, it has been classified as a Variant of Uncertain Significance.

Blueprint Genetics
Classification: Likely benign. Last evaluated: 2024-11-15. Review status: criteria provided, single submitter. Criteria: ACMG Guidelines, 2015. Collection method: clinical testing. Allele origin: germline.

GeneDx
Classification: Likely benign. Last evaluated: 2021-02-18. Review status: criteria provided, single submitter. Criteria: GeneDx Variant Classification Process June 2021. Collection method: clinical testing. Allele origin: germline. Affected: yes.

PreventionGenetics, part of Exact Sciences
Classification: Likely benign. Review status: criteria provided, single submitter. Criteria: ACMG Guidelines, 2015. Collection method: clinical testing. Allele origin: germline.

Literature cited by the submitters: PubMed 17576681 (cited by Labcorp Genetics (formerly Invitae), Labcorp); PubMed 9536098 (cited by Labcorp Genetics (formerly Invitae), Labcorp).